The following is an entry in ClinVar:

ClinVar aggregate classification (germline): Uncertain significance. Review status: criteria provided, multiple submitters, no conflicts (2 of 4 stars). 2 submissions from 2 submitters: Uncertain significance (2). Last evaluated 2024-01-04.

Conditions:
Cardiovascular phenotype. Identifiers: MedGen CN230736.
Duchenne muscular dystrophy (DMD). Also called: MUSCULAR DYSTROPHY, PSEUDOHYPERTROPHIC PROGRESSIVE, DUCHENNE TYPE; Duchenne Muscular Dystrophy (DMD). Identifiers: Orphanet 98896, MedGen C0013264, MONDO:0010679, OMIM 310200.

Allele frequency attached by ClinVar (database versions not stated): gnomAD exomes below 0.00001.
gnomAD v4.1: 1 of 1,196,410 alleles (0.000084%); highest among the groups gnomAD compares: African/African-American, 0.0017%; no homozygotes.

Submissions (2):

Labcorp Genetics (formerly Invitae), Labcorp
Classification: Uncertain significance for Duchenne muscular dystrophy. Last evaluated: 2024-01-04. Review status: criteria provided, single submitter. Criteria: Invitae Variant Classification Sherloc (09022015). Collection method: clinical testing. Allele origin: germline.
Comment: This sequence change replaces asparagine, which is neutral and polar, with lysine, which is basic and polar, at codon 1106 of the DMD protein (p.Asn1106Lys). This variant is not present in population databases (gnomAD no frequency). This variant has not been reported in the literature in individuals affected with DMD-related conditions. ClinVar contains an entry for this variant (Variation ID: 1721382). Advanced modeling of protein sequence and biophysical properties (such as structural, functional, and spatial information, amino acid conservation, physicochemical variation, residue mobility, and thermodynamic stability) performed at Invitae indicates that this missense variant is not expected to disrupt DMD protein function with a negative predictive value of 95%. In summary, the available evidence is currently insufficient to determine the role of this variant in disease. Therefore, it has been classified as a Variant of Uncertain Significance.

Ambry Genetics
Classification: Uncertain significance for Cardiovascular phenotype. Last evaluated: 2022-01-05. Review status: criteria provided, single submitter. Criteria: Ambry Variant Classification Scheme 2023. Collection method: clinical testing. Allele origin: germline.
Comment: The p.N1106K variant (also known as c.3318C>G), located in coding exon 25 of the DMD gene, results from a C to G substitution at nucleotide position 3318. The asparagine at codon 1106 is replaced by lysine, an amino acid with similar properties. This amino acid position is not well conserved in available vertebrate species. In addition, this alteration is predicted to be tolerated by in silico analysis. Since supporting evidence is limited at this time, the clinical significance of this alteration remains unclear.

NM_004006.3(DMD):c.3318C>G (p.Asn1106Lys)

Gene: DMD (dystrophin; minus strand). Cytogenetic location: Xp21.1.
Variant type: single nucleotide variant.
Coding change: c.3318C>G on transcript NM_004006.3 (MANE Select); coding-DNA position 3318, C replaced by G.
Protein change: p.Asn1106Lys; replaces asparagine 1106 with lysine.
Molecular consequence: missense variant.
Genome position (GRCh38, 1-based): chrX:32,463,553, G>C on the plus strand (C>G on the coding strand, the complement: DMD is on the minus strand). VCF-style: chrX-32463553-G-C. GRCh37 (hg19) VCF-style: chrX-32481670-G-C.
Other names: c.3294C>G, p.Asn1098Lys (NM_000109.4); c.3306C>G, p.Asn1102Lys (NM_004009.3); c.2949C>G, p.Asn983Lys (NM_004010.3); short protein forms N1098K, N1102K, N1106K, N983K.
Identifiers: ClinVar variation 1721382 (VCV001721382.8), dbSNP rs2148419432, ClinGen allele CA412664543.
Genomic context (GRCh38, chrX:32,463,553, plus strand): 5'-TCTCGAAGCAAACTCTGGCTCTGCTTCATTCTTTATCTTCTGCCCACCTTCATTGACACT[G>C]TTTAGACTGGGCTGAATTGTCTGAATATCACTGACTAAAAGCTAAGAAAATAAATCAATT-3'
Protein context (NP_003997.2, residues 1096-1116): SDIQTIQPSL[Asn1106Lys]SVNEGGQKIK